The following is an entry in ClinVar:

ClinVar aggregate classification (germline): Likely benign. Review status: criteria provided, multiple submitters, no conflicts (2 of 4 stars). 2 submissions from 2 submitters: Likely benign (2). Last evaluated 2024-10-22.

Allele frequency attached by ClinVar (database versions not stated): gnomAD 0.00001.
gnomAD v4.1: 2 of 1,613,998 alleles (0.00012%); highest among the groups gnomAD compares: Admixed American, 0.0033%; no homozygotes.

Submissions (2):

Labcorp Genetics (formerly Invitae), Labcorp
Classification: Likely benign. Last evaluated: 2024-10-22. Review status: criteria provided, single submitter. Criteria: Invitae Variant Classification Sherloc (09022015). Collection method: clinical testing. Allele origin: germline.

GeneDx
Classification: Likely benign. Last evaluated: 2023-04-27. Review status: criteria provided, single submitter. Criteria: GeneDx Variant Classification Process June 2021. Collection method: clinical testing. Allele origin: germline. Affected: yes.
Comment: See Variant Classification Assertion Criteria.

NM_024915.4(GRHL2):c.81A>G (p.Arg27=)

Gene: GRHL2 (grainyhead like transcription factor 2; plus strand). Cytogenetic location: 8q22.3.
Variant type: single nucleotide variant.
Coding change: c.81A>G on transcript NM_024915.4 (MANE Select); coding-DNA position 81, A replaced by G.
Protein change: p.Arg27=; no amino-acid change (arginine 27 retained).
Molecular consequence: synonymous variant.
Genome position (GRCh38, 1-based): chr8:101,543,301, A>G. VCF-style: chr8-101543301-A-G. GRCh37 (hg19) VCF-style: chr8-102555529-A-G.
Other names: c.33A>G, p.Arg11= (NM_001330593.2).
Identifiers: ClinVar variation 2576775 (VCV002576775.4), dbSNP rs779951984, ClinGen allele CA462233935.
Genomic context (GRCh38, chr8:101,543,301, plus strand): 5'-TAATAAAAGACTAGTGGCCTTAGTGCCCATGCCCAGTGACCCTCCATTCAATACCCGAAG[A>G]GCCTACACCAGTGAGGATGAAGCCTGGAAGTCATACTTGGAGAATCCCCTGACAGCAGCC-3'
Protein context (NP_079191.2, residues 17-37): MPSDPPFNTR[Arg27=]AYTSEDEAWK